The following is an entry in ClinVar:

NM_000053.4(ATP7B):c.782_783del (p.Leu261fs)

Gene: ATP7B (ATPase copper transporting beta; minus strand). Cytogenetic location: 13q14.3.
Variant type: Deletion.
Coding change: c.782_783del on transcript NM_000053.4 (MANE Select); coding-DNA positions 782 to 783, 2 bases deleted (TG; older notation c.782_783delTG).
Protein change: p.Leu261fs; shifts the reading frame from leucine 261.
Molecular consequence: frameshift variant.
Genome position (GRCh38, 1-based): chr13:51,974,437-51,974,438, CA deleted on the plus strand (TG on the coding strand, the reverse complement: ATP7B is on the minus strand). VCF-style (leftmost placement, unchanged base first): chr13-51974436-TCA-T. GRCh37 (hg19) VCF-style: chr13-52548572-TCA-T.
Other names: c.782_783del, p.Leu261fs (NM_001005918.3, NM_001243182.2, NM_001330578.2 and 1 more transcripts); c.782_783delTG, p.Leu261Glnfs (NM_001406511.1, NM_001406512.1, NM_001406513.1 and 26 more transcripts); c.686_687delTG, p.Leu229Glnfs (NM_001406517.1, NM_001406518.1, NM_001406530.1 and 4 more transcripts); short protein forms L261fs.
Identifiers: ClinVar variation 1725451 (VCV001725451.2), dbSNP rs2547818656, ClinGen allele CA2580087685.

ClinVar aggregate classification (germline): Likely pathogenic (1 of 4 stars; one submission).

Conditions:
Wilson disease (WND). Also called: Wilson's disease. Identifiers: Orphanet 905, MedGen C0019202, MONDO:0010200, OMIM 277900. Disease mechanism: loss of function.

Submission:

Myriad Genetics, Inc.
Classification: Likely pathogenic for Wilson disease. Last evaluated: 2022-03-22. Review status: criteria provided, single submitter. Criteria: Myriad Women's Health Autosomal Recessive and X-Linked Classification Criteria (2021). Collection method: clinical testing. Allele origin: unknown.
Comment: NM_000053.3(ATP7B):c.782_783delTG(L261Qfs*8) is expected to be pathogenic in the context of Wilson disease. This variant is predicted to lead to an abnormal or absent protein product due to the creation of a premature termination codon in ATP7B, a gene where loss-of-function variants are known to be pathogenic. Please note: this variant was assessed in the context of healthy population screening.